The following is an entry in ClinVar:

NM_001303256.3(MORC2):c.2605G>A (p.Gly869Arg)

Gene: MORC2 (MORC family CW-type zinc finger 2; minus strand). Cytogenetic location: 22q12.2.
Variant type: single nucleotide variant.
Coding change: c.2605G>A on transcript NM_001303256.3 (MANE Select); coding-DNA position 2605, G replaced by A.
Protein change: p.Gly869Arg; replaces glycine 869 with arginine.
Molecular consequence: missense variant.
Genome position (GRCh38, 1-based): chr22:30,932,687, C>T on the plus strand (G>A on the coding strand, the complement: MORC2 is on the minus strand). VCF-style: chr22-30932687-C-T. GRCh37 (hg19) VCF-style: chr22-31328674-C-T.
Other names: c.2605G>A, p.Gly869Arg (NM_001303257.2); c.2419G>A, p.Gly807Arg (NM_014941.3); short protein forms G807R, G869R.
Identifiers: ClinVar variation 1038211 (VCV001038211.9), dbSNP rs143046823, ClinGen allele CA10186612.
Genomic context (GRCh38, chr22:30,932,687, plus strand): 5'-AAGTGGAGGGCTCTGCGACAGCTATGGCCTGCTGGGCCACAGGGCCCACCTCCTCCTCCC[C>T]GCCCTCCTGTTGTGTATCAAGGCTCTGATGTTCCGGAGAAGGGGGTTTCATCAGCCGCAC-3'
Protein context (NP_001290185.1, residues 859-879): HQSLDTQQEG[Gly869Arg]EEEVGPVAQQ

ClinVar aggregate classification (germline): Uncertain significance (1 of 4 stars; one submission).

Conditions:
Charcot-Marie-Tooth disease axonal type 2Z. Also called: CHARCOT-MARIE-TOOTH DISEASE, AXONAL, AUTOSOMAL DOMINANT, TYPE 2Z; CHARCOT-MARIE-TOOTH NEUROPATHY, TYPE 2Z. Identifiers: Orphanet 466768, MedGen C5569025, MONDO:0014736, OMIM 616688.

Allele frequency attached by ClinVar (database versions not stated): gnomAD exomes 0.00001 and 0.00002; ExAC 0.00002; gnomAD 0.00004; TOPMed 0.00005; ESP Exome Variant Server 0.00008.
gnomAD v4.1: 25 of 1,614,076 alleles (0.0015%); highest among the groups gnomAD compares: African/African-American, 0.015%; no homozygotes.

Submission:

Labcorp Genetics (formerly Invitae), Labcorp
Classification: Uncertain significance for Charcot-Marie-Tooth disease axonal type 2Z. Last evaluated: 2021-12-22. Review status: criteria provided, single submitter. Criteria: Invitae Variant Classification Sherloc (09022015). Collection method: clinical testing. Allele origin: germline.
Comment: In summary, the available evidence is currently insufficient to determine the role of this variant in disease. Therefore, it has been classified as a Variant of Uncertain Significance. Advanced modeling of protein sequence and biophysical properties (such as structural, functional, and spatial information, amino acid conservation, physicochemical variation, residue mobility, and thermodynamic stability) performed at Invitae indicates that this missense variant is not expected to disrupt MORC2 protein function. ClinVar contains an entry for this variant (Variation ID: 1038211). This variant has not been reported in the literature in individuals affected with MORC2-related conditions. This variant is present in population databases (rs143046823, gnomAD 0.01%). This sequence change replaces glycine, which is neutral and non-polar, with arginine, which is basic and polar, at codon 869 of the MORC2 protein (p.Gly869Arg).